The following is an entry in ClinVar:

ClinVar aggregate classification (germline): Uncertain significance (1 of 4 stars; one submission).

Conditions:
GRIK5-related disorder. Also called: GRIK5-related condition.

Allele frequency attached by ClinVar (database versions not stated): gnomAD exomes below 0.00001; gnomAD 0.00001; TOPMed 0.00001.
gnomAD v4.1: 5 of 1,612,762 alleles (0.00031%); highest among the groups gnomAD compares: East Asian, 0.0022%; no homozygotes.

Submission:

PreventionGenetics, part of Exact Sciences
Classification: Uncertain significance for GRIK5-related condition. Last evaluated: 2023-07-24. Review status: criteria provided, single submitter. Criteria: ACMG Guidelines, 2015. Collection method: clinical testing. Allele origin: germline.
Comment: The GRIK5 c.2359C>T variant is predicted to result in the amino acid substitution p.Arg787Trp. To our knowledge, this variant has not been reported in the literature. This variant is reported in 0.00089% of alleles in individuals of European (Non-Finnish) descent in gnomAD. At this time, the clinical significance of this variant is uncertain due to the absence of conclusive functional and genetic evidence.

NM_002088.5(GRIK5):c.2359C>T (p.Arg787Trp)

Gene: GRIK5 (glutamate ionotropic receptor kainate type subunit 5; minus strand). Cytogenetic location: 19q13.2.
Variant type: single nucleotide variant.
Coding change: c.2359C>T on transcript NM_002088.5 (MANE Select); coding-DNA position 2359, C replaced by T.
Protein change: p.Arg787Trp; replaces arginine 787 with tryptophan.
Molecular consequence: missense variant.
Genome position (GRCh38, 1-based): chr19:42,003,588, G>A on the plus strand (C>T on the coding strand, the complement: GRIK5 is on the minus strand). VCF-style: chr19-42003588-G-A. GRCh37 (hg19) VCF-style: chr19-42507740-G-A.
Other names: c.2359C>T, p.Arg787Trp (NM_001301030.2); short protein forms R787W.
Identifiers: ClinVar variation 2631775 (VCV002631775.1), dbSNP rs1555871638, ClinGen allele CA406045760.
Genomic context (GRCh38, chr19:42,003,588, plus strand): 5'-AAGGGGACACCATACGCGGGAACTGACCTTTAGCTCGATGGTCCTCCTCCTTGGGGCACC[G>A]GCCCCCCTCCCACCACTTGCGCTTCAGGATCTCCAGCCGGTTGTTCTCCTGAAGCTGCAG-3'
Protein context (NP_002079.3, residues 777-797): ILKRKWWEGG[Arg787Trp]CPKEEDHRAK